The following is an entry in ClinVar:

NM_013352.4(DSE):c.1127G>A (p.Gly376Asp)

Gene: DSE (dermatan sulfate epimerase; plus strand). Cytogenetic location: 6q22.1.
Variant type: single nucleotide variant.
Coding change: c.1127G>A on transcript NM_013352.4 (MANE Select); coding-DNA position 1127, G replaced by A.
Protein change: p.Gly376Asp; replaces glycine 376 with aspartic acid.
Molecular consequence: missense variant. On other transcripts: non-coding transcript variant (1).
Genome position (GRCh38, 1-based): chr6:116,435,595, G>A. VCF-style: chr6-116435595-G-A. GRCh37 (hg19) VCF-style: chr6-116756758-G-A.
Other names: p.Gly376Asp; c.1127G>A, p.Gly376Asp (NM_001080976.3, NM_001322937.2, NM_001322938.2); c.1184G>A, p.Gly395Asp (NM_001322939.2); c.566G>A, p.Gly189Asp (NM_001322940.2, NM_001322941.2); c.679G>A, p.Ala227Thr (NM_001322943.2); c.919G>A, p.Ala307Thr (NM_001322944.2); c.128G>A, p.Gly43Asp (NM_001374520.1); c.92G>A, p.Gly31Asp (NM_001374521.1); short protein forms A227T, A307T, G189D, G31D, G376D, G395D, G43D.
Identifiers: ClinVar variation 3769016 (VCV003769016.2).
Genomic context (GRCh38, chr6:116,435,595, plus strand): 5'-GTTATTTTCACTGCCATCAGAAAACCATTTAATTTTTCAAAATTAATTTCAGGTATGATG[G>A]CAGCTTGAAATCGGTTCCTCCTCCAGACTTTGGCACCCCTACACTGCATTATTTTGAAGA-3'
Protein context (NP_037484.1, residues 366-386): TLHTEFLWYD[Gly376Asp]SLKSVPPPDF

ClinVar aggregate classification (germline): Uncertain significance. Review status: criteria provided, multiple submitters, no conflicts (2 of 4 stars). 2 submissions from 2 submitters: Uncertain significance (2). Last evaluated 2025-09-05.

gnomAD v4.1: 41 of 1,569,834 alleles (0.0026%); highest among the groups gnomAD compares: Non-Finnish European, 0.0035%; no homozygotes.

Submissions (2):

Mayo Clinic Laboratories, Mayo Clinic
Classification: Uncertain significance. Last evaluated: 2025-09-05. Review status: criteria provided, single submitter. Criteria: ACMG Guidelines, 2015. Collection method: clinical testing. Allele origin: germline. Observed: 1 variant allele.
Comment: BP4_moderate, PM2_supporting

Women's Health and Genetics/Laboratory Corporation of America, LabCorp
Classification: Uncertain significance. Last evaluated: 2025-02-17. Review status: criteria provided, single submitter. Criteria: LabCorp Variant Classification Summary - May 2015. Collection method: clinical testing. Allele origin: germline.
Comment: Variant summary: DSE c.1127G>A (p.Gly376Asp) results in a non-conservative amino acid change in the encoded protein sequence. Four of five in-silico tools predict a benign effect of the variant on protein function. The variant was absent in 222478 control chromosomes. The available data on variant occurrences in the general population are insufficient to allow any conclusion about variant significance. To our knowledge, no occurrence of c.1127G>A in individuals affected with Ehlers-Danlos syndrome, musculocontractural type 2 and no experimental evidence demonstrating its impact on protein function have been reported. No submitters have cited clinical-significance assessments for this variant to ClinVar. Based on the evidence outlined above, the variant was classified as uncertain significance.